The following is an entry in ClinVar:

NM_006005.3(WFS1):c.2359G>A (p.Ala787Thr)

Gene: WFS1 (wolframin ER transmembrane glycoprotein; plus strand). Cytogenetic location: 4p16.1.
Variant type: single nucleotide variant.
Coding change: c.2359G>A on transcript NM_006005.3 (MANE Select); coding-DNA position 2359, G replaced by A.
Protein change: p.Ala787Thr; replaces alanine 787 with threonine.
Molecular consequence: missense variant.
Genome position (GRCh38, 1-based): chr4:6,302,154, G>A. VCF-style: chr4-6302154-G-A. GRCh37 (hg19) VCF-style: chr4-6303881-G-A.
Other names: c.2359G>A, p.Ala787Thr (NM_001145853.1); short protein forms A787T.
Identifiers: ClinVar variation 444631 (VCV000444631.55), dbSNP rs571946670, ClinGen allele CA2839697.

ClinVar aggregate classification (germline): Conflicting classifications of pathogenicity. Review status: criteria provided, conflicting classifications (1 of 4 stars). 5 submissions from 5 submitters: Uncertain significance (3); Likely benign (2). Last evaluated 2026-06-04.

Conditions:
WFS1-related disorder. Identifiers: MedGen CN379391, MONDO:0700293.

Allele frequency attached by ClinVar (database versions not stated): TOPMed 0.00005; gnomAD 0.00006; 1000 Genomes Project 30x 0.00016; 1000 Genomes Project 0.00020.
gnomAD v4.1: 127 of 1,612,958 alleles (0.0079%); highest among the groups gnomAD compares: Middle Eastern, 0.033%; no homozygotes.

Submissions (5):

PreventionGenetics, part of Exact Sciences
Classification: Uncertain significance for WFS1-related condition. Last evaluated: 2026-06-04. Review status: criteria provided, single submitter. Criteria: ACMG Guidelines, 2015. Collection method: clinical testing. Allele origin: germline.
Comment: The WFS1 c.2359G>A variant is predicted to result in the amino acid substitution p.Ala787Thr. This variant was reported in an individual with hearing loss (Iwasa et al. 2016. PubMed ID: 27911912). This variant is reported in 0.041% of alleles in individuals of East Asian descent in gnomAD. At this time, the clinical significance of this variant is uncertain due to the absence of conclusive functional and genetic evidence.

Labcorp Genetics (formerly Invitae), Labcorp
Classification: Likely benign. Last evaluated: 2026-01-09. Review status: criteria provided, single submitter. Criteria: Invitae Variant Classification Sherloc (09022015). Collection method: clinical testing. Allele origin: germline.

Blueprint Genetics
Classification: Uncertain significance. Last evaluated: 2024-10-17. Review status: criteria provided, single submitter. Criteria: ACMG Guidelines, 2015. Collection method: clinical testing. Allele origin: germline.

Laboratory for Molecular Medicine, Mass General Brigham Personalized Medicine
Classification: Likely benign. Last evaluated: 2019-02-28. Review status: criteria provided, single submitter. Criteria: LMM Criteria. Collection method: clinical testing. Allele origin: germline. Observed: 1 variant allele.
Comment: The p.Ala787Thr variant in WFS1 is classified as likely benign due to a lack of conservation across species. Four mammals (marmoset, ferret, panda, aardvark) carry a Threonine (Thr) at this position despite high nearby amino acid conservation. In addition, computational prediction tools predict that this variant does not impact the protein. It has been identified in 8/19714 East Asian chromosomes by gnomAD. ACMG/AMP Criteria applied: BP4_Strong.

CeGaT Center for Human Genetics Tuebingen
Classification: Uncertain significance. Last evaluated: 2017-03-01. Review status: criteria provided, single submitter. Criteria: CeGaT Center For Human Genetics Tuebingen Variant Classification Criteria Version 2. Collection method: clinical testing. Allele origin: germline. Affected: yes. Observed: 1 variant allele.

Literature cited by the submitters: PubMed 27911912 (cited by Laboratory for Molecular Medicine, Mass General Brigham Personalized Medicine).